The following is an entry in ClinVar:

NM_001184900.3(CARD8):c.287_288del (p.Glu96fs)

Gene: CARD8 (caspase recruitment domain family member 8; minus strand). Cytogenetic location: 19q13.33.
Variant type: Microsatellite.
Coding change: c.287_288del on transcript NM_001184900.3 (MANE Select); coding-DNA positions 287 to 288, 2 bases deleted (AG; older notation c.287_288delAG).
Protein change: p.Glu96fs; shifts the reading frame from glutamic acid 96.
Molecular consequence: frameshift variant. On other transcripts: 5 prime UTR variant (1), non-coding transcript variant (4).
Genome position (GRCh38, 1-based): chr19:48,234,465-48,234,466, CT deleted on the plus strand (AG on the coding strand, the reverse complement: CARD8 is on the minus strand); deleting any 2 consecutive bases within chr19:48,234,465-48,234,468 gives the same sequence; the c. name uses the placement nearest the transcript's 3' end. VCF-style (leftmost placement, unchanged base first): chr19-48234464-CCT-C. GRCh37 (hg19) VCF-style: chr19-48737721-CCT-C.
Other names: c.137_138del, p.Glu46fs (NM_001184901.1, NM_001351783.2, NM_001351788.2 and 2 more transcripts); c.287_288del, p.Glu96fs (NM_001184902.2, NM_001184903.1, NM_001351782.2); c.13_14del, p.Arg5fs (NM_001351784.2, NM_001351787.2, NM_001351791.2 and 2 more transcripts); c.-204AG[1] (NM_001351786.2); c.85_86del, p.Arg29fs (NM_001351790.2); c.-497_-496AG[1] (NM_001426741.1); short protein forms R5fs, E46fs, R29fs, E96fs.
Identifiers: ClinVar variation 2720792 (VCV002720792.3), dbSNP rs1248908582, ClinGen allele CA882983380.

ClinVar aggregate classification (germline): Uncertain significance (1 of 4 stars; one submission).

Submission:

Labcorp Genetics (formerly Invitae), Labcorp
Classification: Uncertain significance. Last evaluated: 2025-08-29. Review status: criteria provided, single submitter. Criteria: Invitae Variant Classification Sherloc (09022015). Collection method: clinical testing. Allele origin: germline.
Comment: This sequence change creates a premature translational stop signal (p.Glu46Glyfs*11) in the CARD8 gene. It is expected to result in an absent or disrupted protein product. However, the current clinical and genetic evidence is not sufficient to establish whether loss-of-function variants in CARD8 cause disease. This variant is not present in population databases (gnomAD no frequency). This variant has not been reported in the literature in individuals affected with CARD8-related conditions. In summary, the available evidence is currently insufficient to determine the role of this variant in disease. Therefore, it has been classified as a Variant of Uncertain Significance.